The following is an entry in ClinVar:

ClinVar aggregate classification (germline): Uncertain significance. Review status: criteria provided, multiple submitters, no conflicts (2 of 4 stars). 2 submissions from 2 submitters: Uncertain significance (2). Last evaluated 2024-07-28.

Conditions:
Hereditary cancer-predisposing syndrome. Also called: Hereditary Cancer Syndrome; Neoplastic Syndromes, Hereditary; Hereditary neoplastic syndrome; Tumor predisposition. Identifiers: Orphanet 140162, MedGen C0027672, MeSH D009386, MONDO:0015356.
DICER1-related tumor predisposition. Also called: DICER1 syndrome; DICER1-related pleuropulmonary blastoma cancer predisposition syndrome. Identifiers: Orphanet 284343, MedGen C3839822, MONDO:0100216.

Submissions (2):

Ambry Genetics
Classification: Uncertain significance for Hereditary cancer-predisposing syndrome. Last evaluated: 2024-07-28. Review status: criteria provided, single submitter. Criteria: Ambry Variant Classification Scheme 2023. Collection method: clinical testing. Allele origin: germline.
Comment: The p.E1576K variant (also known as c.4726G>A), located in coding exon 22 of the DICER1 gene, results from a G to A substitution at nucleotide position 4726. The glutamic acid at codon 1576 is replaced by lysine, an amino acid with similar properties. This amino acid position is conserved. In addition, this alteration is predicted to be deleterious by in silico analysis. Based on the available evidence, the clinical significance of this variant remains unclear.

Labcorp Genetics (formerly Invitae), Labcorp
Classification: Uncertain significance for DICER1-related tumor predisposition. Last evaluated: 2021-11-23. Review status: criteria provided, single submitter. Criteria: Invitae Variant Classification Sherloc (09022015). Collection method: clinical testing. Allele origin: germline.
Comment: In summary, the available evidence is currently insufficient to determine the role of this variant in disease. Therefore, it has been classified as a Variant of Uncertain Significance. Algorithms developed to predict the effect of missense changes on protein structure and function (SIFT, PolyPhen-2, Align-GVGD) all suggest that this variant is likely to be tolerated. This variant has not been reported in the literature in individuals affected with DICER1-related conditions. This variant is not present in population databases (gnomAD no frequency). This sequence change replaces glutamic acid, which is acidic and polar, with lysine, which is basic and polar, at codon 1576 of the DICER1 protein (p.Glu1576Lys).

NM_177438.3(DICER1):c.4726G>A (p.Glu1576Lys)

Gene: DICER1 (dicer 1, ribonuclease III; minus strand). Cytogenetic location: 14q32.13.
Variant type: single nucleotide variant.
Coding change: c.4726G>A on transcript NM_177438.3 (MANE Select); coding-DNA position 4726, G replaced by A.
Protein change: p.Glu1576Lys; replaces glutamic acid 1576 with lysine.
Molecular consequence: missense variant. On other transcripts: non-coding transcript variant (6).
Genome position (GRCh38, 1-based): chr14:95,096,194, C>T on the plus strand (G>A on the coding strand, the complement: DICER1 is on the minus strand). VCF-style: chr14-95096194-C-T. GRCh37 (hg19) VCF-style: chr14-95562531-C-T.
Other names: c.4726G>A, p.Glu1576Lys (NM_001195573.1, NM_001271282.3, NM_001291628.2 and 13 more transcripts); c.4444G>A, p.Glu1482Lys (NM_001395686.1); c.4321G>A, p.Glu1441Lys (NM_001395687.1, NM_001395688.1, NM_001395689.1 and 2 more transcripts); c.4159G>A, p.Glu1387Lys (NM_001395691.1); c.3043G>A, p.Glu1015Lys (NM_001395697.1); short protein forms E1015K, E1441K, E1387K, E1482K, E1576K.
Identifiers: ClinVar variation 2129525 (VCV002129525.5), dbSNP rs2139844761, ClinGen allele CA390867433.